The following is an entry in ClinVar:

ClinVar aggregate classification (germline): Conflicting classifications of pathogenicity. Review status: criteria provided, conflicting classifications (1 of 4 stars). 2 submissions from 2 submitters: Uncertain significance (1); Likely benign (1). Last evaluated 2026-01-12.

Conditions:
Hereditary pancreatitis (PCTT). Also called: PRSS1-Related Hereditary Pancreatitis; Hereditary chronic pancreatitis. Identifiers: Orphanet 676, MedGen C0238339, MONDO:0008185, OMIM 167800.

Allele frequency attached by ClinVar (database versions not stated): TOPMed 0.00001; ExAC 0.00002; gnomAD exomes 0.00002.
gnomAD v4.1: 3 of 1,612,860 alleles (0.00019%); highest among the groups gnomAD compares: Admixed American, 0.0033%; no homozygotes.

Submissions (2):

Labcorp Genetics (formerly Invitae), Labcorp
Classification: Uncertain significance. Last evaluated: 2026-01-12. Review status: criteria provided, single submitter. Criteria: Invitae Variant Classification Sherloc (09022015). Collection method: clinical testing. Allele origin: germline.
Comment: This sequence change affects a donor splice site in intron 7 of the CPA1 gene. It is expected to disrupt RNA splicing. Variants that disrupt the donor or acceptor splice site typically lead to a loss of protein function (PMID: 16199547), however the current clinical and genetic evidence is not sufficient to establish whether loss-of-function variants in CPA1 cause disease. This variant is present in population databases (rs782790782, gnomAD 0.006%). This variant has not been reported in the literature in individuals affected with CPA1-related conditions. ClinVar contains an entry for this variant (Variation ID: 1372883). Algorithms developed to predict the effect of sequence changes on RNA splicing suggest that this variant may disrupt the consensus splice site. In summary, the available evidence is currently insufficient to determine the role of this variant in disease. Therefore, it has been classified as a Variant of Uncertain Significance.

Ambry Genetics
Classification: Likely benign for Hereditary pancreatitis. Last evaluated: 2023-11-29. Review status: criteria provided, single submitter. Criteria: Ambry Variant Classification Scheme 2023. Collection method: clinical testing. Allele origin: germline.

Literature cited by the submitters: PubMed 16199547 (cited by Labcorp Genetics (formerly Invitae), Labcorp).

NM_001868.4(CPA1):c.787+1G>A

Gene: CPA1 (carboxypeptidase A1; plus strand). Cytogenetic location: 7q32.2.
Variant type: single nucleotide variant.
Coding change: c.787+1G>A on transcript NM_001868.4 (MANE Select); the canonical splice donor site of the intron after coding-DNA position 787, G replaced by A.
Molecular consequence: splice donor variant.
Genome position (GRCh38, 1-based): chr7:130,384,627, G>A. VCF-style: chr7-130384627-G-A. GRCh37 (hg19) VCF-style: chr7-130024468-G-A.
Other names: c.787+1G>A (NM_001868.2).
Identifiers: ClinVar variation 1372883 (VCV001372883.7), dbSNP rs782790782, ClinGen allele CA4484933.